The following is an entry in ClinVar:

ClinVar aggregate classification (germline): Uncertain significance. Review status: criteria provided, multiple submitters, no conflicts (2 of 4 stars). 2 submissions from 2 submitters: Uncertain significance (2). Last evaluated 2023-05-05.

Conditions:
Neurofibromatosis, type 1 (NF1). Also called: Peripheral type neurofibromatosis; VON RECKLINGHAUSEN DISEASE; Neurofibromatosis, type I; NEUROFIBROMATOSIS, TYPE I, SOMATIC. Identifiers: Orphanet 636, MedGen C0027831, MONDO:0018975, OMIM 162200. Disease mechanism: loss of function.
Cardiovascular phenotype. Identifiers: MedGen CN230736.
Hereditary cancer-predisposing syndrome. Also called: Hereditary neoplastic syndrome; Neoplastic Syndromes, Hereditary; Hereditary Cancer Syndrome; Tumor predisposition. Identifiers: Orphanet 140162, MedGen C0027672, MeSH D009386, MONDO:0015356.

Allele frequency attached by ClinVar (database versions not stated): gnomAD exomes below 0.00001.
gnomAD v4.1: 1 of 1,614,106 alleles (0.000062%); highest among the groups gnomAD compares: Non-Finnish European, 0.000085%; no homozygotes.

Submissions (2):

Ambry Genetics
Classification: Uncertain significance for Cardiovascular phenotype; Hereditary cancer-predisposing syndrome. Last evaluated: 2023-05-05. Review status: criteria provided, single submitter. Criteria: Ambry Variant Classification Scheme 2023. Collection method: clinical testing. Allele origin: germline.
Comment: The p.L1246V variant (also known as c.3736C>G), located in coding exon 28 of the NF1 gene, results from a C to G substitution at nucleotide position 3736. The leucine at codon 1246 is replaced by valine, an amino acid with highly similar properties. This amino acid position is conserved. In addition, the in silico prediction for this alteration is inconclusive. Since supporting evidence is limited at this time, the clinical significance of this alteration remains unclear.

Labcorp Genetics (formerly Invitae), Labcorp
Classification: Uncertain significance for Neurofibromatosis, type 1. Last evaluated: 2022-10-23. Review status: criteria provided, single submitter. Criteria: Invitae Variant Classification Sherloc (09022015). Collection method: clinical testing. Allele origin: germline.
Comment: This sequence change replaces leucine, which is neutral and non-polar, with valine, which is neutral and non-polar, at codon 1246 of the NF1 protein (p.Leu1246Val). This variant is not present in population databases (gnomAD no frequency). This variant has not been reported in the literature in individuals affected with NF1-related conditions. ClinVar contains an entry for this variant (Variation ID: 574135). Advanced modeling of protein sequence and biophysical properties (such as structural, functional, and spatial information, amino acid conservation, physicochemical variation, residue mobility, and thermodynamic stability) performed at Invitae indicates that this missense variant is expected to disrupt NF1 protein function. In summary, the available evidence is currently insufficient to determine the role of this variant in disease. Therefore, it has been classified as a Variant of Uncertain Significance.

NM_001042492.3(NF1):c.3736C>G (p.Leu1246Val)

Gene: NF1 (neurofibromin 1; plus strand). Cytogenetic location: 17q11.2.
Variant type: single nucleotide variant.
Coding change: c.3736C>G on transcript NM_001042492.3 (MANE Select); coding-DNA position 3736, C replaced by G.
Protein change: p.Leu1246Val; replaces leucine 1246 with valine.
Molecular consequence: missense variant.
Genome position (GRCh38, 1-based): chr17:31,235,638, C>G. VCF-style: chr17-31235638-C-G. GRCh37 (hg19) VCF-style: chr17-29562656-C-G.
Other names: c.3736C>G, p.Leu1246Val (NM_000267.4); short protein forms L1246V.
Identifiers: ClinVar variation 574135 (VCV000574135.6), dbSNP rs1567852501, ClinGen allele CA398992388.